The following is an entry in ClinVar:

ClinVar aggregate classification (germline): Pathogenic (1 of 4 stars; one submission).

Conditions:
Junctional epidermolysis bullosa. Identifiers: Orphanet 305, MedGen C0079301, MONDO:0017612.

Submission:

Myriad Genetics, Inc.
Classification: Pathogenic for Junctional epidermolysis bullosa. Last evaluated: 2026-02-27. Review status: criteria provided, single submitter. Criteria: Myriad Autosomal Dominant, Autosomal Recessive and X-Linked Classification Criteria (2023). Collection method: clinical testing. Allele origin: unknown.
Comment: NM_005562.2(LAMC2):c.2381_2382dupGC(K795Afs*37) is expected to be pathogenic in the context of junctional epidermolysis bullosa, LAMC2-related. This variant is predicted to lead to an abnormal or absent protein product due to the creation of a premature termination codon in LAMC2, a gene where loss-of-function variants are known to be pathogenic. Please note: this variant was assessed in the context of healthy population screening.

NM_005562.3(LAMC2):c.2381_2382dup (p.Lys795fs)

Gene: LAMC2 (laminin subunit gamma 2; plus strand). Cytogenetic location: 1q25.3.
Variant type: Microsatellite.
Coding change: c.2381_2382dup on transcript NM_005562.3 (MANE Select); coding-DNA positions 2381 to 2382, 2 bases duplicated (GC; older notation c.2381_2382dupGC).
Protein change: p.Lys795fs; shifts the reading frame from lysine 795.
Molecular consequence: frameshift variant.
Genome position (GRCh38, 1-based): chr1:183,235,655-183,235,656, GC duplicated; duplicating any 2 consecutive bases within chr1:183,235,653-183,235,656 gives the same sequence; the c. name uses the placement nearest the transcript's 3' end. VCF-style (leftmost placement, unchanged base first): chr1-183235652-T-TGC. GRCh37 (hg19) VCF-style: chr1-183204787-T-TGC.
Other names: c.2381_2382dup, p.Lys795fs (NM_018891.3); short protein forms K795fs.
Identifiers: ClinVar variation 5015620 (VCV005015620.1).